The following is an entry in ClinVar:

NM_004304.5(ALK):c.2113T>C (p.Tyr705His)

Gene: ALK (ALK receptor tyrosine kinase; minus strand). Cytogenetic location: 2p23.2.
Variant type: single nucleotide variant.
Coding change: c.2113T>C on transcript NM_004304.5 (MANE Select); coding-DNA position 2113, T replaced by C.
Protein change: p.Tyr705His; replaces tyrosine 705 with histidine.
Molecular consequence: missense variant.
Genome position (GRCh38, 1-based): chr2:29,251,196, A>G on the plus strand (T>C on the coding strand, the complement: ALK is on the minus strand). VCF-style: chr2-29251196-A-G. GRCh37 (hg19) VCF-style: chr2-29474062-A-G.
Other names: short protein forms Y705H.
Identifiers: ClinVar variation 2452091 (VCV002452091.2), dbSNP rs2148197491, ClinGen allele CA346477009.

ClinVar aggregate classification (germline): Uncertain significance (1 of 4 stars; one submission).

Conditions:
Hereditary cancer-predisposing syndrome. Also called: Neoplastic Syndromes, Hereditary; Tumor predisposition; Hereditary neoplastic syndrome; Hereditary Cancer Syndrome. Identifiers: Orphanet 140162, MedGen C0027672, MeSH D009386, MONDO:0015356.

Submission:

Ambry Genetics
Classification: Uncertain significance for Hereditary cancer-predisposing syndrome. Last evaluated: 2022-11-04. Review status: criteria provided, single submitter. Criteria: Ambry Variant Classification Scheme 2023. Collection method: clinical testing. Allele origin: germline.
Comment: The p.Y705H variant (also known as c.2113T>C), located in coding exon 12 of the ALK gene, results from a T to C substitution at nucleotide position 2113. The tyrosine at codon 705 is replaced by histidine, an amino acid with similar properties. This amino acid position is conserved. In addition, this alteration is predicted to be deleterious by in silico analysis. Since supporting evidence is limited at this time, the clinical significance of this alteration remains unclear.